The following is an entry in ClinVar:

ClinVar aggregate classification (germline): Likely pathogenic (1 of 4 stars; one submission).

Submission:

GeneDx
Classification: Likely pathogenic. Last evaluated: 2024-09-24. Review status: criteria provided, single submitter. Criteria: GeneDx Variant Classification Process June 2021. Collection method: clinical testing. Allele origin: germline. Affected: yes.
Comment: Reported as a de novo variant in an individual from a large cohort study of patients with developmental disorders; however specific clinical details were not provided (PMID: 33057194); Nonsense variant predicted to result in protein truncation, as the last 666 amino acids are lost, and other loss-of-function variants have been reported downstream in HGMD; Not observed at significant frequency in large population cohorts (gnomAD); This variant is associated with the following publications: (PMID: 35982159, 33057194)

NM_006662.3(SRCAP):c.7693G>T (p.Glu2565Ter)

Gene: SRCAP (Snf2 related CREBBP activator protein; plus strand). Cytogenetic location: 16p11.2.
Variant type: single nucleotide variant.
Coding change: c.7693G>T on transcript NM_006662.3 (MANE Select); coding-DNA position 7693, G replaced by T.
Protein change: p.Glu2565Ter; replaces glutamic acid 2565 with a stop codon.
Molecular consequence: nonsense.
Genome position (GRCh38, 1-based): chr16:30,737,733, G>T. VCF-style: chr16-30737733-G-T. GRCh37 (hg19) VCF-style: chr16-30749054-G-T.
Other names: short protein forms E2565*.
Identifiers: ClinVar variation 3774031 (VCV003774031.1).
Genomic context (GRCh38, chr16:30,737,733, plus strand): 5'-TTGGGCTTGAGGCCTGAGGCAGAGCTGTGTGCCCAGGCATTGGCATCTCCAGAGTCCCTG[G>T]AGCTGGCTTCTGTGGCCAGTTCAGAAACCTCCTCACTTTCTCTTGTGCCCCCTAAAGATC-3'